The following is an entry in ClinVar:

ClinVar aggregate classification (germline): Likely pathogenic (1 of 4 stars; one submission).

Conditions:
Autosomal recessive nonsyndromic hearing loss 8 (DFNB8). Also called: NEUROSENSORY NONSYNDROMIC RECESSIVE DEAFNESS 8; Deafness, autosomal recessive 10. Identifiers: Orphanet 90636, MedGen C1832827, MONDO:0010987, OMIM 601072.

Submission:

Institute of Rare Diseases, West China Hospital, Sichuan University
Classification: Likely pathogenic for Autosomal recessive nonsyndromic hearing loss 8. Last evaluated: 2025-01-09. Review status: criteria provided, single submitter. Criteria: ClinGen HL ACMG Specifications v1. Collection method: research. Allele origin: germline. Affected: yes.
Comment: PP3;PM3_Strong;PM2_Supporting

NM_001256317.3(TMPRSS3):c.205+5G>C

Gene: TMPRSS3 (transmembrane serine protease 3; minus strand). Cytogenetic location: 21q22.3.
Variant type: single nucleotide variant.
Coding change: c.205+5G>C on transcript NM_001256317.3 (MANE Select); 5 bases into the intron after coding-DNA position 205, G replaced by C.
Molecular consequence: intron variant.
Genome position (GRCh38, 1-based): chr21:42,389,922, C>G on the plus strand (G>C on the coding strand, the complement: TMPRSS3 is on the minus strand). VCF-style: chr21-42389922-C-G. GRCh37 (hg19) VCF-style: chr21-43810031-C-G.
Other names: c.205+5G>C (NM_024022.4, NM_032405.2).
Identifiers: ClinVar variation 3601935 (VCV003601935.1).